The following is an entry in ClinVar:

NM_020320.5(RARS2):c.1718C>T (p.Thr573Ile)

Gene: RARS2 (arginyl-tRNA synthetase 2, mitochondrial; minus strand). Cytogenetic location: 6q15.
Variant type: single nucleotide variant.
Coding change: c.1718C>T on transcript NM_020320.5 (MANE Select); coding-DNA position 1718, C replaced by T.
Protein change: p.Thr573Ile; replaces threonine 573 with isoleucine.
Molecular consequence: missense variant. On other transcripts: non-coding transcript variant (23).
Genome position (GRCh38, 1-based): chr6:87,514,432, G>A on the plus strand (C>T on the coding strand, the complement: RARS2 is on the minus strand). VCF-style: chr6-87514432-G-A. GRCh37 (hg19) VCF-style: chr6-88224150-G-A.
Other names: c.1193C>T, p.Thr398Ile (NM_001318785.2, NM_001350506.2, NM_001350507.2 and 4 more transcripts); c.1718C>T, p.Thr573Ile (NM_001350505.2); short protein forms T398I, T573I.
Identifiers: ClinVar variation 1339743 (VCV001339743.3), dbSNP rs541516452, ClinGen allele CA3916151.

ClinVar aggregate classification (germline): Conflicting classifications of pathogenicity. Review status: criteria provided, conflicting classifications (1 of 4 stars). 2 submissions from 2 submitters: Uncertain significance (1); Likely benign (1). Last evaluated 2026-01-25.

Allele frequency attached by ClinVar (database versions not stated): gnomAD 0.00005 and 0.00004; TOPMed 0.00005; ExAC 0.00007; gnomAD exomes 0.00010 and 0.00002.
gnomAD v4.1: 37 of 1,609,118 alleles (0.0023%); highest among the groups gnomAD compares: East Asian, 0.074%; no homozygotes.

Submissions (2):

Labcorp Genetics (formerly Invitae), Labcorp
Classification: Likely benign. Last evaluated: 2026-01-25. Review status: criteria provided, single submitter. Criteria: Invitae Variant Classification Sherloc (09022015). Collection method: clinical testing. Allele origin: germline.

Women's Health and Genetics/Laboratory Corporation of America, LabCorp
Classification: Uncertain significance. Last evaluated: 2022-01-03. Review status: criteria provided, single submitter. Criteria: LabCorp Variant Classification Summary - May 2015. Collection method: clinical testing. Allele origin: germline.
Comment: Variant summary: RARS2 c.1718C>T (p.Thr573Ile) results in a non-conservative amino acid change located in the DALR anticodon binding domain (IPR008909) of the encoded protein sequence. Four of five in-silico tools predict a damaging effect of the variant on protein function. The variant allele was found at a frequency of 0.0001 in 251420 control chromosomes, predominantly at a frequency of 0.0014 within the East Asian subpopulation in the gnomAD database. The observed variant frequency within East Asian control individuals in the gnomAD database is approximately equal to the estimated maximal expected allele frequency for a pathogenic variant in RARS2 causing Pontocerebellar Hypoplasia, Type 6 phenotype (0.0011), suggesting that the variant is a benign polymorphism found primarily in populations of East Asian origin. c.1718C>T has been reported in the literature in an individual affected with Pontocerebellar Hypoplasia, Type 6 (Zhang_2018). This report does not provide unequivocal conclusions about association of the variant with Pontocerebellar Hypoplasia, Type 6. To our knowledge, no experimental evidence demonstrating an impact on protein function has been reported. No clinical diagnostic laboratories have submitted clinical-significance assessments for this variant to ClinVar after 2014. Based on the evidence outlined above, the variant was classified as uncertain significance until additional evidence of clinical and/or functional importance become available.

Literature cited by the submitters: PubMed 33897753 (cited by Women's Health and Genetics/Laboratory Corporation of America, LabCorp); PubMed 29434700 (cited by Women's Health and Genetics/Laboratory Corporation of America, LabCorp).